The following is an entry in ClinVar:

ClinVar aggregate classification (germline): Benign. Review status: reviewed by expert panel (3 of 4 stars). 22 submissions from 22 submitters: Benign (1). 21 of the submissions do not count toward it. Last evaluated 2019-06-18.

Conditions:
Breast neoplasm. Also called: Neoplasm of the breast; Neoplasm of breast; Breast tumor; Breast Neoplasms. Identifiers: MedGen C1458155, MeSH D001943, MONDO:0021100, HP:0100013. Disease mechanism: gain of function.
Hereditary breast ovarian cancer syndrome. Also called: BRCA1- and BRCA2-Associated Hereditary Breast and Ovarian Cancer; Hereditary breast and ovarian cancer syndrome; Hereditary breast and ovarian cancer syndrome (HBOC); Breast and ovarian cancer; Hereditary breast and/or ovarian cancer syndrome; Hereditary breast and ovarian cancer. Identifiers: Orphanet 145, MedGen C0677776, MeSH D061325, MONDO:0003582. Disease mechanism: loss of function.
Familial pancreatic carcinoma. Identifiers: Orphanet 1333, MedGen C2931038, MONDO:0015278, OMIM 260350.
Breast-ovarian cancer, familial, susceptibility to, 1 (BROVCA1). Also called: BRCA1 Hereditary Breast and Ovarian Cancer; OVARIAN CANCER, SUSCEPTIBILITY TO. Identifiers: Orphanet 145, MedGen C2676676, MONDO:0011450, OMIM 604370. Disease mechanism: loss of function.
Familial cancer of breast. Also called: hereditary breast carcinoma; BREAST CANCER, FAMILIAL; Hereditary breast cancer. Identifiers: Orphanet 227535, MedGen C0346153, MONDO:0016419, OMIM 114480. Disease mechanism: loss of function.
Fanconi anemia, complementation group S (FANCS). Identifiers: MedGen C4554406, MONDO:0054748, OMIM 617883.
Pancreatic cancer, susceptibility to, 4. Identifiers: Orphanet 1333, MedGen C3280442, MONDO:0013685, OMIM 614320.
Hereditary cancer-predisposing syndrome. Also called: Hereditary Cancer Syndrome; Hereditary neoplastic syndrome; Neoplastic Syndromes, Hereditary; Tumor predisposition. Identifiers: Orphanet 140162, MedGen C0027672, MeSH D009386, MONDO:0015356.
BRCA1-related disorder. Also called: BRCA1-related condition.

Allele frequency attached by ClinVar (database versions not stated): TOPMed 0.00003; gnomAD 0.00002 and 0.00003; ExAC 0.00010; gnomAD exomes 0.00004 and 0.00008.
gnomAD v4.1: 57 of 1,611,772 alleles (0.0035%); highest among the groups gnomAD compares: East Asian, 0.13%; no homozygotes.

Submissions 1 to 11 of 22:

Evidence-based Network for the Interpretation of Germline Mutant Alleles (ENIGMA)
Classification: Benign for Breast-ovarian cancer, familial, susceptibility to, 1. Last evaluated: 2019-06-18. Review status: reviewed by expert panel. Criteria: ENIGMA BRCA1/2 Classification Criteria (2017-06-29). Collection method: curation. Allele origin: germline.
Comment: Variant allele has low bioinformatic likelihood to encode a missense alteration affecting protein function (Missense prior probability 0.02), AND low bioinformatic likelihood to alter mRNA splicing (splicing prior 0.02), AND minor allele frequency 0.00104 (East Asian), derived from gnomAD v2.1.1 non-cancer (2019-05-13).

Labcorp Genetics (formerly Invitae), Labcorp
Classification: Benign for Hereditary breast ovarian cancer syndrome. Last evaluated: 2026-01-10. Review status: criteria provided, single submitter. Criteria: Invitae Variant Classification Sherloc (09022015). Collection method: clinical testing. Allele origin: germline. Not counted in ClinVar's aggregate classification.

Dasa
Classification: Benign for Breast-ovarian cancer, familial, susceptibility to, 1. Last evaluated: 2025-12-17. Review status: criteria provided, single submitter. Criteria: DASA Assertion Criteria. Collection method: clinical testing. Allele origin: germline. Not counted in ClinVar's aggregate classification.
Comment: NM_007294.4(BRCA1):c.824G>A (p.Gly275Asp) is a missense variant that results in the substitution of glycine with aspartic acid. Population frequency is inconsistent with a disease-causing role for this variant, and the variant context is inconsistent with a known disease-causing mechanism. Therefore, based on the currently available evidence, this variant is classified as benign.

PreventionGenetics, part of Exact Sciences
Classification: Likely benign for BRCA1-related condition. Last evaluated: 2025-10-15. Review status: criteria provided, single submitter. Criteria: ACMG Guidelines, 2015. Collection method: clinical testing. Allele origin: germline. Not counted in ClinVar's aggregate classification.
Comment: This variant is classified as likely benign based on ACMG/AMP sequence variant interpretation guidelines (Richards et al. 2015 PMID: 25741868, with internal and published modifications).

Department of Pathology and Laboratory Medicine, Sinai Health System
Classification: Benign for Hereditary breast ovarian cancer syndrome; Familial pancreatic carcinoma. Last evaluated: 2024-12-02. Review status: criteria provided, single submitter. Criteria: ACMG Guidelines, 2015. Collection method: clinical testing. Allele origin: germline. Affected: yes. Not counted in ClinVar's aggregate classification.

Color Diagnostics, LLC DBA Color Health
Classification: Benign for Hereditary cancer-predisposing syndrome. Last evaluated: 2024-09-17. Review status: criteria provided, single submitter. Criteria: ACMG Guidelines, 2015. Collection method: clinical testing. Allele origin: germline. Not counted in ClinVar's aggregate classification.

Mendelics
Classification: Benign for Breast-ovarian cancer, familial, susceptibility to, 1. Last evaluated: 2023-08-22. Review status: criteria provided, single submitter. Criteria: Mendelics Assertion Criteria 2019. Collection method: clinical testing. Allele origin: germline. Not counted in ClinVar's aggregate classification.

Blueprint Genetics
Classification: Uncertain significance. Last evaluated: 2023-07-04. Review status: criteria provided, single submitter. Criteria: ACMG Guidelines, 2015. Collection method: clinical testing. Allele origin: germline. Not counted in ClinVar's aggregate classification.

Mayo Clinic Laboratories, Mayo Clinic
Classification: Likely benign. Last evaluated: 2023-06-28. Review status: criteria provided, single submitter. Criteria: ACMG Guidelines, 2015. Collection method: clinical testing. Allele origin: germline. Observed: 3 variant alleles. Not counted in ClinVar's aggregate classification.
Comment: BS3, BP6

Fulgent Genetics
Classification: Likely benign for Familial cancer of breast; Breast-ovarian cancer, familial, susceptibility to, 1; Pancreatic cancer, susceptibility to, 4; Fanconi anemia, complementation group S. Last evaluated: 2021-10-31. Review status: criteria provided, single submitter. Criteria: ACMG Guidelines, 2015. Collection method: clinical testing. Allele origin: unknown. Not counted in ClinVar's aggregate classification.

Sema4
Classification: Likely benign for Hereditary cancer-predisposing syndrome. Last evaluated: 2020-12-14. Review status: criteria provided, single submitter. Criteria: Sema4 Curation Guidelines. Collection method: curation. Allele origin: germline. Not counted in ClinVar's aggregate classification.

NM_007294.4(BRCA1):c.824G>A (p.Gly275Asp)

Gene: BRCA1 (BRCA1 DNA repair associated; minus strand). Cytogenetic location: 17q21.31.
Variant type: single nucleotide variant.
Coding change: c.824G>A on transcript NM_007294.4 (MANE Select); coding-DNA position 824, G replaced by A.
Protein change: p.Gly275Asp; replaces glycine 275 with aspartic acid.
Molecular consequence: missense variant. On other transcripts: 5 prime UTR variant (2), intron variant (137).
Genome position (GRCh38, 1-based): chr17:43,094,707, C>T on the plus strand (G>A on the coding strand, the complement: BRCA1 is on the minus strand). VCF-style: chr17-43094707-C-T. GRCh37 (hg19) VCF-style: chr17-41246724-C-T.
Other names: p.G275D:GGC>GAC; c.611G>A, p.Gly204Asp (NM_001407571.1, NM_001407915.1, NM_001407916.1 and 9 more transcripts); c.824G>A, p.Gly275Asp (NM_001407581.1, NM_001407582.1, NM_001407583.1 and 30 more transcripts); c.821G>A, p.Gly274Asp (NM_001407587.1, NM_001407590.1, NM_001407591.1 and 22 more transcripts); c.746G>A, p.Gly249Asp (NM_001407653.1, NM_001407654.1, NM_001407655.1 and 4 more transcripts); c.743G>A, p.Gly248Asp (NM_001407659.1, NM_001407660.1, NM_001407661.1 and 1 more transcripts); c.698G>A, p.Gly233Asp (NM_001407671.1, NM_001407672.1, NM_001407673.1 and 11 more transcripts); c.701G>A, p.Gly234Asp (NM_001407674.1, NM_001407675.1, NM_001407676.1 and 19 more transcripts); and 41 more; short protein forms G275D, G228D, G248D, G274D, G164D, G227D, G272D, G147D.
Identifiers: ClinVar variation 55726 (VCV000055726.47), dbSNP rs397509327, ClinGen allele CA003922.